The following is an entry in ClinVar:

ClinVar aggregate classification (germline): Uncertain significance. Review status: criteria provided, multiple submitters, no conflicts (2 of 4 stars). 2 submissions from 2 submitters: Uncertain significance (2). Last evaluated 2024-09-03.

Conditions:
Sitosterolemia 2. Identifiers: MedGen C5231453, MONDO:0020748, OMIM 618666.

gnomAD v4.1: 7 of 1,614,172 alleles (0.00043%); highest among the groups gnomAD compares: Non-Finnish European, 0.00059%; no homozygotes.

Submissions (2):

Revvity Omics, Revvity
Classification: Uncertain significance for Sitosterolemia 2. Last evaluated: 2024-09-03. Review status: criteria provided, single submitter. Criteria: ACMG Guidelines, 2015. Collection method: clinical testing. Allele origin: germline.

Mayo Clinic Laboratories, Mayo Clinic
Classification: Uncertain significance. Last evaluated: 2024-07-17. Review status: criteria provided, single submitter. Criteria: ACMG Guidelines, 2015. Collection method: clinical testing. Allele origin: germline. Observed: 1 variant allele.
Comment: PM2

NM_022436.3(ABCG5):c.1552C>T (p.Leu518Phe)

Genes: ABCG5 (ATP binding cassette subfamily G member 5; minus strand), DYNC2LI1 (dynein cytoplasmic 2 light intermediate chain 1; plus strand). Cytogenetic location: 2p21.
Variant type: single nucleotide variant.
Coding change: c.1552C>T on transcript NM_022436.3 (MANE Select); coding-DNA position 1552, C replaced by T.
Protein change: p.Leu518Phe; replaces leucine 518 with phenylalanine.
Molecular consequence: missense variant. On other transcripts: intron variant (2).
Genome position (GRCh38, 1-based): chr2:43,820,012, G>A on the plus strand (C>T on the coding strand, the complement: ABCG5 is on the minus strand). VCF-style: chr2-43820012-G-A. GRCh37 (hg19) VCF-style: chr2-44047151-G-A.
Other names: p.Leu518Phe; c.*16-7374G>A (NM_001348912.2, NM_001348913.2); short protein forms L518F.
Identifiers: ClinVar variation 3380802 (VCV003380802.2).
Genomic context (GRCh38, chr2:43,820,012, plus strand): 5'-ACAGCAGAGCCACTACACTGTTGACTATATTTGGATTTTGGACGATACCAAGTAGCACAA[G>A]AGTTAGAAATTCACCAATTAAGTGGGGGGCCAAGAGAGCAGCAGAAAAATATCCAAATCG-3'
Protein context (NP_071881.1, residues 508-528): APHLIGEFLT[Leu518Phe]VLLGIVQNPN